The following is an entry in ClinVar:

NM_007373.4(SHOC2):c.959C>T (p.Ser320Phe)

Gene: SHOC2 (SHOC2 leucine rich repeat scaffold protein; plus strand). Cytogenetic location: 10q25.2.
Variant type: single nucleotide variant.
Coding change: c.959C>T on transcript NM_007373.4 (MANE Select); coding-DNA position 959, C replaced by T.
Protein change: p.Ser320Phe; replaces serine 320 with phenylalanine.
Molecular consequence: missense variant. On other transcripts: 5 prime UTR variant (2), intron variant (1).
Genome position (GRCh38, 1-based): chr10:111,000,532, C>T. VCF-style: chr10-111000532-C-T. GRCh37 (hg19) VCF-style: chr10-112760290-C-T.
Other names: c.821C>T, p.Ser274Phe (NM_001269039.3, NM_001441186.1); c.959C>T, p.Ser320Phe (NM_001324336.2, NM_001324337.2, NM_001441184.1 and 2 more transcripts); c.290C>T, p.Ser97Phe (NM_001441188.1); c.-125C>T (NM_001441189.1, NM_001441190.1); c.-111-4074C>T (NM_001441191.1); short protein forms S274F, S320F, S97F.
Identifiers: ClinVar variation 4885599 (VCV004885599.2).

ClinVar aggregate classification (germline): Uncertain significance (1 of 4 stars; one submission).

Submission:

Dasa
Classification: Uncertain significance. Last evaluated: 2025-09-09. Review status: criteria provided, single submitter. Criteria: DASA Assertion Criteria. Collection method: clinical testing. Allele origin: germline.
Comment: NM_007373.4(SHOC2):c.959C>T (p.Ser320Phe) is a missense variant that results in the substitution of serine with phenylalanine. This variant is rare in population databases. The currently available literature and clinical evidence are not sufficient to establish a definitive association between this variant and the reported condition. Therefore, this variant is classified as a variant of uncertain significance.